The following is an entry in ClinVar:

ClinVar aggregate classification (germline): Uncertain significance. Review status: criteria provided, multiple submitters, no conflicts (2 of 4 stars). 2 submissions from 2 submitters: Uncertain significance (2). Last evaluated 2025-07-24.

Conditions:
Carney complex, type 1 (CNC1). Also called: CARNEY MYXOMA-ENDOCRINE COMPLEX; CARNEY COMPLEX, TYPE I. Identifiers: Orphanet 1359, MedGen C2607929, MONDO:0008057, OMIM 160980.
Hereditary cancer-predisposing syndrome. Also called: Hereditary neoplastic syndrome; Hereditary Cancer Syndrome; Tumor predisposition; Neoplastic Syndromes, Hereditary. Identifiers: Orphanet 140162, MedGen C0027672, MeSH D009386, MONDO:0015356.

Allele frequency attached by ClinVar (database versions not stated): gnomAD exomes below 0.00001; TOPMed below 0.00001.

Submissions (2):

Ambry Genetics
Classification: Uncertain significance for Hereditary cancer-predisposing syndrome. Last evaluated: 2025-07-24. Review status: criteria provided, single submitter. Criteria: Ambry Variant Classification Scheme 2023. Collection method: clinical testing. Allele origin: germline.
Comment: The p.D33N variant (also known as c.97G>A), located in coding exon 1 of the PRKAR1A gene, results from a G to A substitution at nucleotide position 97. The aspartic acid at codon 33 is replaced by asparagine, an amino acid with highly similar properties. This amino acid position is conserved. In addition, this alteration is predicted to be tolerated by in silico analysis. Since supporting evidence is limited at this time, the clinical significance of this alteration remains unclear.

Labcorp Genetics (formerly Invitae), Labcorp
Classification: Uncertain significance for Carney complex, type 1. Last evaluated: 2025-02-06. Review status: criteria provided, single submitter. Criteria: Invitae Variant Classification Sherloc (09022015). Collection method: clinical testing. Allele origin: germline.
Comment: This sequence change replaces aspartic acid, which is acidic and polar, with asparagine, which is neutral and polar, at codon 33 of the PRKAR1A protein (p.Asp33Asn). This variant is not present in population databases (gnomAD no frequency). This variant has not been reported in the literature in individuals affected with PRKAR1A-related conditions. ClinVar contains an entry for this variant (Variation ID: 1518964). Invitae Evidence Modeling of protein sequence and biophysical properties (such as structural, functional, and spatial information, amino acid conservation, physicochemical variation, residue mobility, and thermodynamic stability) indicates that this missense variant is not expected to disrupt PRKAR1A protein function with a negative predictive value of 95%. In summary, the available evidence is currently insufficient to determine the role of this variant in disease. Therefore, it has been classified as a Variant of Uncertain Significance.

NM_002734.5(PRKAR1A):c.97G>A (p.Asp33Asn)

Gene: PRKAR1A (protein kinase cAMP-dependent type I regulatory subunit alpha; plus strand). Cytogenetic location: 17q24.2.
Variant type: single nucleotide variant.
Coding change: c.97G>A on transcript NM_002734.5 (MANE Select); coding-DNA position 97, G replaced by A.
Protein change: p.Asp33Asn; replaces aspartic acid 33 with asparagine.
Molecular consequence: missense variant.
Genome position (GRCh38, 1-based): chr17:68,515,496, G>A. VCF-style: chr17-68515496-G-A. GRCh37 (hg19) VCF-style: chr17-66511637-G-A.
Other names: c.97G>A, p.Asp33Asn (NM_001276289.2, NM_001276290.1, NM_001278433.2 and 4 more transcripts); c.97G>A (NM_002734.3); short protein forms D33N.
Identifiers: ClinVar variation 1518964 (VCV001518964.10), dbSNP rs2085403956, ClinGen allele CA400751959.